The following is an entry in ClinVar:

NM_022081.6(HPS4):c.277-2A>G

Gene: HPS4 (HPS4 biogenesis of lysosomal organelles complex 3 subunit 2; minus strand). Cytogenetic location: 22q12.1.
Variant type: single nucleotide variant.
Coding change: c.277-2A>G on transcript NM_022081.6 (MANE Select); the canonical splice acceptor site of the intron before coding-DNA position 277, A replaced by G.
Molecular consequence: splice acceptor variant.
Genome position (GRCh38, 1-based): chr22:26,472,941, T>C on the plus strand (A>G on the coding strand, the complement: HPS4 is on the minus strand). VCF-style: chr22-26472941-T-C. GRCh37 (hg19) VCF-style: chr22-26868907-T-C.
Other names: c.277-2A>G (NM_001349905.1, NM_001349904.2, NM_001349902.1 and 7 more transcripts); c.262-2A>G (NM_152841.2).
Identifiers: ClinVar variation 1505429 (VCV001505429.6), dbSNP rs2146819053, ClinGen allele CA411031829.

ClinVar aggregate classification (germline): Likely pathogenic (1 of 4 stars; one submission).

Submission:

Labcorp Genetics (formerly Invitae), Labcorp
Classification: Likely pathogenic. Last evaluated: 2021-07-22. Review status: criteria provided, single submitter. Criteria: Invitae Variant Classification Sherloc (09022015). Collection method: clinical testing. Allele origin: germline.
Comment: In summary, the currently available evidence indicates that the variant is pathogenic, but additional data are needed to prove that conclusively. Therefore, this variant has been classified as Likely Pathogenic. Algorithms developed to predict the effect of sequence changes on RNA splicing suggest that this variant may disrupt the consensus splice site. This variant has not been reported in the literature in individuals affected with HPS4-related conditions. This variant is not present in population databases (ExAC no frequency). This sequence change affects an acceptor splice site in intron 4 of the HPS4 gene. It is expected to disrupt RNA splicing. Variants that disrupt the donor or acceptor splice site typically lead to a loss of protein function (PMID: 16199547), and loss-of-function variants in HPS4 are known to be pathogenic (PMID: 12664304).

Literature cited by the submitters: PubMed 16199547; PubMed 12664304.